The following is an entry in ClinVar:

ClinVar aggregate classification (germline): Conflicting classifications of pathogenicity. Review status: criteria provided, conflicting classifications (1 of 4 stars). 2 submissions from 2 submitters: Uncertain significance (1); Likely benign (1). Last evaluated 2026-03-02.

Conditions:
Hereditary cancer-predisposing syndrome. Also called: Hereditary Cancer Syndrome; Neoplastic Syndromes, Hereditary; Tumor predisposition; Hereditary neoplastic syndrome. Identifiers: Orphanet 140162, MedGen C0027672, MeSH D009386, MONDO:0015356.
Neuroblastoma, susceptibility to, 3. Also called: ALK-Related Neuroblastic Tumor Susceptibility. Identifiers: Orphanet 635, MedGen C2751681, MONDO:0013083, OMIM 613014.

Submissions (2):

Ambry Genetics
Classification: Likely benign for Hereditary cancer-predisposing syndrome. Last evaluated: 2026-03-02. Review status: criteria provided, single submitter. Criteria: Ambry Variant Classification Scheme 2023. Collection method: clinical testing. Allele origin: germline.

Labcorp Genetics (formerly Invitae), Labcorp
Classification: Uncertain significance for Neuroblastoma, susceptibility to, 3. Last evaluated: 2026-01-18. Review status: criteria provided, single submitter. Criteria: Invitae Variant Classification Sherloc (09022015). Collection method: clinical testing. Allele origin: germline.
Comment: This sequence change creates a premature translational stop signal (p.Gln1238Ilefs*19) in the ALK gene. It is expected to result in an absent or disrupted protein product. However, the current clinical and genetic evidence is not sufficient to establish whether loss-of-function variants in ALK cause disease. This variant is present in population databases (rs750775950, gnomAD 0.003%). This variant has not been reported in the literature in individuals affected with ALK-related conditions. ClinVar contains an entry for this variant (Variation ID: 1016794). In summary, the available evidence is currently insufficient to determine the role of this variant in disease. Therefore, it has been classified as a Variant of Uncertain Significance.

NM_004304.5(ALK):c.3712_3715del (p.Gln1238fs)

Gene: ALK (ALK receptor tyrosine kinase; minus strand). Cytogenetic location: 2p23.2.
Variant type: Deletion.
Coding change: c.3712_3715del on transcript NM_004304.5 (MANE Select); coding-DNA positions 3712 to 3715, 4 bases deleted (CAGT; older notation c.3712_3715delCAGT).
Protein change: p.Gln1238fs; shifts the reading frame from glutamine 1238.
Molecular consequence: frameshift variant.
Genome position (GRCh38, 1-based): chr2:29,214,012-29,214,015, ACTG deleted on the plus strand (CAGT on the coding strand, the reverse complement: ALK is on the minus strand); deleting any 4 consecutive bases within chr2:29,214,012-29,214,017 gives the same sequence; the c. name uses the placement nearest the transcript's 3' end. VCF-style (leftmost placement, unchanged base first): chr2-29214011-TACTG-T. GRCh37 (hg19) VCF-style: chr2-29436877-TACTG-T.
Other names: c.3712_3715delCAGT (NM_004304.4); c.508_511del, p.Gln170fs (NM_001353765.2); short protein forms Q1238fs, Q170fs.
Identifiers: ClinVar variation 1016794 (VCV001016794.10), dbSNP rs750775950, ClinGen allele CA1593803.